The following is an entry in ClinVar:

NM_005802.5(TOPORS):c.2642A>G (p.His881Arg)

Gene: TOPORS (TOP1 binding arginine/serine rich protein, E3 ubiquitin ligase; minus strand). Cytogenetic location: 9p21.1.
Variant type: single nucleotide variant.
Coding change: c.2642A>G on transcript NM_005802.5 (MANE Select); coding-DNA position 2642, A replaced by G.
Protein change: p.His881Arg; replaces histidine 881 with arginine.
Molecular consequence: missense variant.
Genome position (GRCh38, 1-based): chr9:32,541,883, T>C on the plus strand (A>G on the coding strand, the complement: TOPORS is on the minus strand). VCF-style: chr9-32541883-T-C. GRCh37 (hg19) VCF-style: chr9-32541881-T-C.
Other names: c.2447A>G, p.His816Arg (NM_001195622.2); short protein forms H816R, H881R.
Identifiers: ClinVar variation 2119627 (VCV002119627.4), dbSNP rs2489445954, ClinGen allele CA373162243.
Genomic context (GRCh38, chr9:32,541,883, plus strand): 5'-GCATTATCTCCATGGTGTTTCTTATGCTTCTTCTTATGTTTCTTCTTTTTCTTTTTATGG[T>C]GTTTAGTTGTATCAGTAGCTTTTCCTTCATAAACTATCTCTACACTTAGGCTCCGGGTCT-3'
Protein context (NP_005793.2, residues 871-891): YEGKATDTTK[His881Arg]HKKKKKKHKK

ClinVar aggregate classification (germline): Uncertain significance (1 of 4 stars; one submission).

Submission:

Labcorp Genetics (formerly Invitae), Labcorp
Classification: Uncertain significance. Last evaluated: 2025-01-15. Review status: criteria provided, single submitter. Criteria: Invitae Variant Classification Sherloc (09022015). Collection method: clinical testing. Allele origin: germline.
Comment: This sequence change replaces histidine, which is basic and polar, with arginine, which is basic and polar, at codon 881 of the TOPORS protein (p.His881Arg). This variant is not present in population databases (gnomAD no frequency). This variant has not been reported in the literature in individuals affected with TOPORS-related conditions. ClinVar contains an entry for this variant (Variation ID: 2119627). Experimental studies and prediction algorithms are not available or were not evaluated, and the functional significance of this variant is currently unknown. In summary, the available evidence is currently insufficient to determine the role of this variant in disease. Therefore, it has been classified as a Variant of Uncertain Significance.